The following is an entry in ClinVar:

NM_000290.4(PGAM2):c.595+3G>T

Genes: DBNL (drebrin like; plus strand), PGAM2 (phosphoglycerate mutase 2; minus strand). Cytogenetic location: 7p13.
Variant type: single nucleotide variant.
Coding change: c.595+3G>T on transcript NM_000290.4 (MANE Select); 3 bases into the intron after coding-DNA position 595, G replaced by T.
Molecular consequence: intron variant. On other transcripts: 3 prime UTR variant (6).
Genome position (GRCh38, 1-based): chr7:44,064,829, C>A on the plus strand (G>T on the coding strand, the complement: PGAM2 is on the minus strand). VCF-style: chr7-44064829-C-A. GRCh37 (hg19) VCF-style: chr7-44104428-C-A.
Other names: c.*3913C>A (NM_001014436.3, NM_001122956.2, NM_001284313.2 and 3 more transcripts).
Identifiers: ClinVar variation 2146515 (VCV002146515.1), dbSNP rs774883572, ClinGen allele CA157875542.

ClinVar aggregate classification (germline): Uncertain significance (1 of 4 stars; one submission).

Conditions:
Glycogen storage disease type X (GSD10). Also called: GSD X; MYOPATHY DUE TO PHOSPHOGLYCERATE MUTASE DEFICIENCY; Dimauro disease; PGAMM DEFICIENCY; PHOSPHOGLYCERATE MUTASE, MUSCLE, DEFICIENCY OF; Glycogen storage disease due to phosphoglycerate mutase deficiency. Identifiers: Orphanet 97234, MedGen C0268149, MONDO:0009865, OMIM 261670.

gnomAD v4.1: 16 of 1,585,354 alleles (0.001%); highest among the groups gnomAD compares: Non-Finnish European, 0.0014%; no homozygotes.

Submission:

Labcorp Genetics (formerly Invitae), Labcorp
Classification: Uncertain significance for Glycogen storage disease type X. Last evaluated: 2022-08-22. Review status: criteria provided, single submitter. Criteria: Invitae Variant Classification Sherloc (09022015). Collection method: clinical testing. Allele origin: germline.
Comment: This sequence change falls in intron 2 of the PGAM2 gene. It does not directly change the encoded amino acid sequence of the PGAM2 protein. It affects a nucleotide within the consensus splice site. The frequency data for this variant in the population databases is considered unreliable, as metrics indicate poor data quality at this position in the gnomAD database. This variant has not been reported in the literature in individuals affected with PGAM2-related conditions. Variants that disrupt the consensus splice site are a relatively common cause of aberrant splicing (PMID: 17576681, 9536098). Algorithms developed to predict the effect of sequence changes on RNA splicing suggest that this variant is not likely to affect RNA splicing. In summary, the available evidence is currently insufficient to determine the role of this variant in disease. Therefore, it has been classified as a Variant of Uncertain Significance.

Literature cited by the submitters: PubMed 17576681; PubMed 9536098.